The following is an entry in ClinVar:

ClinVar aggregate classification (germline): Uncertain significance. Review status: criteria provided, multiple submitters, no conflicts (2 of 4 stars). 2 submissions from 2 submitters: Uncertain significance (2). Last evaluated 2024-12-16.

Allele frequency attached by ClinVar (database versions not stated): gnomAD exomes below 0.00001; gnomAD 0.00001; TOPMed 0.00001.
gnomAD v4.1: 3 of 1,555,032 alleles (0.00019%); highest among the groups gnomAD compares: African/African-American, 0.0027%; no homozygotes.

Submissions (2):

Labcorp Genetics (formerly Invitae), Labcorp
Classification: Uncertain significance. Last evaluated: 2024-12-16. Review status: criteria provided, single submitter. Criteria: Invitae Variant Classification Sherloc (09022015). Collection method: clinical testing. Allele origin: germline.
Comment: This sequence change replaces phenylalanine, which is neutral and non-polar, with tyrosine, which is neutral and polar, at codon 142 of the RAB11B protein (p.Phe142Tyr). This variant is not present in population databases (gnomAD no frequency). This variant has not been reported in the literature in individuals affected with RAB11B-related conditions. ClinVar contains an entry for this variant (Variation ID: 1696967). An algorithm developed to predict the effect of missense changes on protein structure and function (PolyPhen-2) suggests that this variant is likely to be tolerated. In summary, the available evidence is currently insufficient to determine the role of this variant in disease. Therefore, it has been classified as a Variant of Uncertain Significance.

GeneDx
Classification: Uncertain significance. Last evaluated: 2022-01-12. Review status: criteria provided, single submitter. Criteria: GeneDx Variant Classification Process June 2021. Collection method: clinical testing. Allele origin: germline. Affected: yes.
Comment: Not observed at significant frequency in large population cohorts (gnomAD); In silico analysis supports that this missense variant does not alter protein structure/function; Has not been previously published as pathogenic or benign to our knowledge

NM_004218.4(RAB11B):c.425T>A (p.Phe142Tyr)

Gene: RAB11B (RAB11B, member RAS oncogene family; plus strand). Cytogenetic location: 19p13.2.
Variant type: single nucleotide variant.
Coding change: c.425T>A on transcript NM_004218.4 (MANE Select); coding-DNA position 425, T replaced by A.
Protein change: p.Phe142Tyr; replaces phenylalanine 142 with tyrosine.
Molecular consequence: missense variant.
Genome position (GRCh38, 1-based): chr19:8,402,274, T>A. VCF-style: chr19-8402274-T-A. GRCh37 (hg19) VCF-style: chr19-8467158-T-A.
Other names: short protein forms F142Y.
Identifiers: ClinVar variation 1696967 (VCV001696967.4), dbSNP rs1263418323, ClinGen allele CA403714920.
Genomic context (GRCh38, chr19:8,402,274, plus strand): 5'-TGGGCAACAAGAGTGACCTGCGCCACCTGCGGGCTGTGCCCACTGACGAGGCCCGCGCCT[T>A]CGCAGGTGAGCAGACGGAGACGCAGGCATCAGAGAGGTGTCTGGAAGGCAGGAGGCCCCT-3'
Protein context (NP_004209.2, residues 132-152): RAVPTDEARA[Phe142Tyr]AEKNNLSFIE